The following is an entry in ClinVar:

NM_144687.4(NLRP12):c.139_203dup (p.Leu72fs)

Gene: NLRP12 (NLR family pyrin domain containing 12; minus strand). Cytogenetic location: 19q13.42.
Variant type: Duplication.
Coding change: c.139_203dup on transcript NM_144687.4 (MANE Select); coding-DNA positions 139 to 203, 65 bases duplicated.
Protein change: p.Leu72fs; shifts the reading frame from leucine 72.
Molecular consequence: frameshift variant.
Genome position (GRCh38, 1-based): chr19:53,823,972-53,824,036, 65 bases duplicated. GRCh37 (hg19): chr19:54,327,229-54,327,293.
Other names: c.139_203dup, p.Leu72fs (NM_001277126.2, NM_001277129.1); short protein forms L72fs.
Identifiers: ClinVar variation 2070969 (VCV002070969.4), dbSNP rs1568704706, ClinGen allele CA633905386.

ClinVar aggregate classification (germline): Uncertain significance (1 of 4 stars; one submission).

Conditions:
Familial cold autoinflammatory syndrome 2 (FCAS2). Identifiers: Orphanet 247868, MedGen C2673198, MONDO:0012724, OMIM 611762.

Submission:

Labcorp Genetics (formerly Invitae), Labcorp
Classification: Uncertain significance for Familial cold autoinflammatory syndrome 2. Last evaluated: 2025-02-03. Review status: criteria provided, single submitter. Criteria: Invitae Variant Classification Sherloc (09022015). Collection method: clinical testing. Allele origin: germline.
Comment: This sequence change creates a premature translational stop signal (p.Leu72Argfs*31) in the NLRP12 gene. It is expected to result in an absent or disrupted protein product. However, the current clinical and genetic evidence is not sufficient to establish whether loss-of-function variants in NLRP12 cause disease. The frequency data for this variant in the population databases is considered unreliable, as metrics indicate poor data quality at this position in the gnomAD database. This variant has not been reported in the literature in individuals affected with NLRP12-related conditions. ClinVar contains an entry for this variant (Variation ID: 2070969). In summary, the available evidence is currently insufficient to determine the role of this variant in disease. Therefore, it has been classified as a Variant of Uncertain Significance.